The following is an entry in ClinVar:

NM_032242.4(PLXNA1):c.1627C>T (p.Arg543Trp)

Gene: PLXNA1 (plexin A1; plus strand). Cytogenetic location: 3q21.3.
Variant type: single nucleotide variant.
Coding change: c.1627C>T on transcript NM_032242.4 (MANE Select); coding-DNA position 1627, C replaced by T.
Protein change: p.Arg543Trp; replaces arginine 543 with tryptophan.
Molecular consequence: missense variant.
Genome position (GRCh38, 1-based): chr3:127,004,892, C>T. VCF-style: chr3-127004892-C-T. GRCh37 (hg19) VCF-style: chr3-126723735-C-T.
Other names: short protein forms R543W.
Identifiers: ClinVar variation 3352323 (VCV003352323.2).
Genomic context (GRCh38, chr3:127,004,892, plus strand): 5'-GGCGGGCCCCGTAGGTCTCCCCATCCGCCCAGCCTCAACCCCTCTGCCTGCAGCTGCTCG[C>T]GGCGGGACGCCTGTGAGCGAGCAGACGAGCCCCAGCGCTTTGCTGCGGACCTGCTGCAGT-3'
Protein context (NP_115618.3, residues 533-553): GWCVLHSICS[Arg543Trp]RDACERADEP

ClinVar aggregate classification (germline): Uncertain significance. Review status: criteria provided, single submitter (1 of 4 stars). 2 submissions from 2 submitters: Uncertain significance (1). 1 of the submissions does not count toward it. Last evaluated 2024-10-01.

Conditions:
PLXNA1-related disorder. Also called: PLXNA1-related condition.

gnomAD v4.1: 21 of 1,594,926 alleles (0.0013%); highest among the groups gnomAD compares: Non-Finnish European, 0.0016%; no homozygotes.

Submissions (2):

Ambry Genetics
Classification: Uncertain significance. Last evaluated: 2024-10-01. Review status: criteria provided, single submitter. Criteria: Ambry Variant Classification Scheme 2023. Collection method: clinical testing. Allele origin: germline.

PreventionGenetics, part of Exact Sciences
Classification: Uncertain significance for PLXNA1-related condition. Last evaluated: 2024-08-07. Review status: no assertion criteria provided. Collection method: clinical testing. Allele origin: germline. Not counted in ClinVar's aggregate classification.
Comment: The PLXNA1 c.1627C>T variant is predicted to result in the amino acid substitution p.Arg543Trp. To our knowledge, this variant has not been reported in the literature. This variant is reported in 0.0048% of alleles in individuals of European (Finnish) descent in gnomAD. At this time, the clinical significance of this variant is uncertain due to the absence of conclusive functional and genetic evidence.